The following is an entry in ClinVar:

NM_015272.5(RPGRIP1L):c.721A>G (p.Asn241Asp)

Gene: RPGRIP1L (RPGRIP1 like; minus strand). Cytogenetic location: 16q12.2.
Variant type: single nucleotide variant.
Coding change: c.721A>G on transcript NM_015272.5 (MANE Select); coding-DNA position 721, A replaced by G.
Protein change: p.Asn241Asp; replaces asparagine 241 with aspartic acid.
Molecular consequence: missense variant.
Genome position (GRCh38, 1-based): chr16:53,686,488, T>C on the plus strand (A>G on the coding strand, the complement: RPGRIP1L is on the minus strand). VCF-style: chr16-53686488-T-C. GRCh37 (hg19) VCF-style: chr16-53720400-T-C.
Other names: c.721A>G, p.Asn241Asp (NM_001127897.4, NM_001308334.3, NM_001330538.2); c.721A>G (NM_015272.4); short protein forms N241D.
Identifiers: ClinVar variation 852240 (VCV000852240.11), dbSNP rs1970023173, ClinGen allele CA395923846.

ClinVar aggregate classification (germline): Uncertain significance. Review status: criteria provided, single submitter (1 of 4 stars). 2 submissions from 2 submitters: Uncertain significance (1). 1 of the submissions does not count toward it. Last evaluated 2022-02-24.

Conditions:
Meckel-Gruber syndrome. Also called: DYSENCEPHALIA SPLANCHNOCYSTICA; GRUBER SYNDROME; Dysencephalia splachnocystica. Identifiers: Orphanet 564, MedGen C0265215, MONDO:0018921.
Joubert syndrome. Also called: CEREBELLOPARENCHYMAL DISORDER IV; JOUBERT-BOLTSHAUSER SYNDROME; Familial aplasia of the vermis. Identifiers: Orphanet 475, MedGen C5979921, MONDO:0018772.

Submissions (2):

Labcorp Genetics (formerly Invitae), Labcorp
Classification: Uncertain significance for Joubert syndrome; Meckel-Gruber syndrome. Last evaluated: 2022-02-24. Review status: criteria provided, single submitter. Criteria: Invitae Variant Classification Sherloc (09022015). Collection method: clinical testing. Allele origin: germline.
Comment: This variant is not present in population databases (gnomAD no frequency). This sequence change replaces asparagine, which is neutral and polar, with aspartic acid, which is acidic and polar, at codon 241 of the RPGRIP1L protein (p.Asn241Asp). This variant has not been reported in the literature in individuals affected with RPGRIP1L-related conditions. In summary, the available evidence is currently insufficient to determine the role of this variant in disease. Therefore, it has been classified as a Variant of Uncertain Significance. Algorithms developed to predict the effect of missense changes on protein structure and function (SIFT, PolyPhen-2, Align-GVGD) all suggest that this variant is likely to be tolerated. ClinVar contains an entry for this variant (Variation ID: 852240).

Natera, Inc.
Classification: Uncertain significance for Joubert syndrome. Last evaluated: 2025-02-26. Review status: no assertion criteria provided. Collection method: clinical testing. Allele origin: germline. Not counted in ClinVar's aggregate classification.